The following is an entry in ClinVar:

NM_000238.4(KCNH2):c.133A>T (p.Asn45Tyr)

Gene: KCNH2 (potassium voltage-gated channel subfamily H member 2; minus strand). Cytogenetic location: 7q36.1.
Variant type: single nucleotide variant.
Coding change: c.133A>T on transcript NM_000238.4 (MANE Select); coding-DNA position 133, A replaced by T.
Protein change: p.Asn45Tyr; replaces asparagine 45 with tyrosine.
Molecular consequence: missense variant.
Genome position (GRCh38, 1-based): chr7:150,974,885, T>A on the plus strand (A>T on the coding strand, the complement: KCNH2 is on the minus strand). VCF-style: chr7-150974885-T-A. GRCh37 (hg19) VCF-style: chr7-150671973-T-A.
Other names: c.133A>T (LRG_288t1); c.-45A>T (NM_001406755.1); c.133A>T, p.Asn45Tyr (NM_172056.3); short protein forms N45Y.
Identifiers: ClinVar variation 67189 (VCV000067189.3), dbSNP rs199472839, ClinGen allele CA004504.

ClinVar aggregate classification (germline): not provided (0 of 4 stars; one submission).

Conditions:
Familial long QT syndrome (RWS). Also called: Congenital long QT syndrome; Romano-Ward syndrome; VENTRICULAR FIBRILLATION WITH PROLONGED QT INTERVAL. Identifiers: Orphanet 768, MedGen C1141890, MONDO:0019171.

Submission:

Cardiovascular Biomedical Research Unit, Royal Brompton & Harefield NHS Foundation Trust
No classification provided. Condition: Familial long QT syndrome. Review status: no classification provided. Collection method: literature only. Allele origin: germline.
Comment: This variant has been reported as associated with Long QT syndrome in the following publications (PMID:19716085). This is a literature report, and does not necessarily reflect the clinical interpretation of the Imperial College / Royal Brompton Cardiovascular Genetics laboratory.

Literature cited by the submitters: PubMed 19716085; PubMed 22581653.